The following is an entry in ClinVar:

ClinVar aggregate classification (germline): Likely pathogenic (1 of 4 stars; one submission).

Conditions:
Glutaryl-CoA oxidase deficiency. Also called: GLUTARIC ACIDURIA III; GA III; Glutaric acidemia type 3. Identifiers: Orphanet 35706, MedGen C0342873, MONDO:0009283, OMIM 231690.

gnomAD v4.1: 1 of 1,600,290 alleles (0.000062%); highest among the groups gnomAD compares: Admixed American, 0.0017%; no homozygotes.

Submission:

Diagnostics Services (NGS), CSIR - Centre For Cellular And Molecular Biology
Classification: Likely pathogenic for Glutaryl-CoA oxidase deficiency. Last evaluated: 2026-08-24. Review status: criteria provided, single submitter. Criteria: ACMG Guidelines, 2015. Collection method: clinical testing. Allele origin: germline. Affected: no. Observed: 1 variant allele, 1 heterozygote.

NM_001193313.2(SUGCT):c.782G>A (p.Trp261Ter)

Gene: SUGCT (succinyl-CoA:glutarate-CoA transferase; plus strand). Cytogenetic location: 7p14.1.
Variant type: single nucleotide variant.
Coding change: c.782G>A on transcript NM_001193313.2 (MANE Select); coding-DNA position 782, G replaced by A.
Protein change: p.Trp261Ter; replaces tryptophan 261 with a stop codon.
Molecular consequence: nonsense.
Genome position (GRCh38, 1-based): chr7:40,316,821, G>A. VCF-style: chr7-40316821-G-A. GRCh37 (hg19) VCF-style: chr7-40356420-G-A.
Other names: c.782G>A, p.Trp261Ter (NM_001193311.2); c.638G>A, p.Trp213Ter (NM_001193312.2); c.671G>A, p.Trp224Ter (NM_024728.3); short protein forms W213*, W224*, W261*.
Identifiers: ClinVar variation 4974992 (VCV004974992.1).